The following is an entry in ClinVar:

ClinVar aggregate classification (germline): Uncertain significance. Review status: criteria provided, multiple submitters, no conflicts (2 of 4 stars). 3 submissions from 3 submitters: Uncertain significance (3). Last evaluated 2021-07-15.

Conditions:
Hereditary cancer-predisposing syndrome. Also called: Neoplastic Syndromes, Hereditary; Tumor predisposition; Hereditary Cancer Syndrome; Hereditary neoplastic syndrome. Identifiers: Orphanet 140162, MedGen C0027672, MeSH D009386, MONDO:0015356.
Intellectual disability, autosomal dominant 16 (CSS4). Also called: COFFIN-SIRIS SYNDROME 4. Identifiers: Orphanet 1465, MedGen C3553249, MONDO:0013821, OMIM 614609.
Rhabdoid tumor predisposition syndrome 2 (RTPS2). Identifiers: Orphanet 231108, Orphanet 69077, MedGen C2750074, MONDO:0013224, OMIM 613325.

Allele frequency attached by ClinVar (database versions not stated): gnomAD exomes below 0.00001.
gnomAD v4.1: 1 of 1,614,178 alleles (0.000062%); highest among the groups gnomAD compares: Non-Finnish European, 0.000085%; no homozygotes.

Submissions (3):

Genome-Nilou Lab
Classification: Uncertain significance for Intellectual disability, autosomal dominant 16. Last evaluated: 2021-07-15. Review status: criteria provided, single submitter. Criteria: ACMG Guidelines, 2015. Collection method: clinical testing. Allele origin: germline. Affected: no.

Labcorp Genetics (formerly Invitae), Labcorp
Classification: Uncertain significance for Rhabdoid tumor predisposition syndrome 2. Last evaluated: 2019-11-06. Review status: criteria provided, single submitter. Criteria: Invitae Variant Classification Sherloc (09022015). Collection method: clinical testing. Allele origin: germline.
Comment: This sequence change replaces alanine with proline at codon 636 of the SMARCA4 protein (p.Ala636Pro). The alanine residue is highly conserved and there is a small physicochemical difference between alanine and proline. This variant is not present in population databases (ExAC no frequency). This variant has not been reported in the literature in individuals with SMARCA4-related conditions. Algorithms developed to predict the effect of missense changes on protein structure and function are either unavailable or do not agree on the potential impact of this missense change (SIFT: "Deleterious"; PolyPhen-2: "Benign"; Align-GVGD: "Class C25"). In summary, the available evidence is currently insufficient to determine the role of this variant in disease. Therefore, it has been classified as a Variant of Uncertain Significance.

Ambry Genetics
Classification: Uncertain significance for Hereditary cancer-predisposing syndrome. Last evaluated: 2018-01-31. Review status: criteria provided, single submitter. Criteria: Ambry Variant Classification Scheme 2023. Collection method: clinical testing. Allele origin: germline.
Comment: The p.A636P variant (also known as c.1906G>C), located in coding exon 11 of the SMARCA4 gene, results from a G to C substitution at nucleotide position 1906. The alanine at codon 636 is replaced by proline, an amino acid with highly similar properties. This amino acid position is highly conserved in available vertebrate species. In addition, the in silico prediction for this alteration is inconclusive. Since supporting evidence is limited at this time, the clinical significance of this alteration remains unclear.

NM_003072.5(SMARCA4):c.1906G>C (p.Ala636Pro)

Gene: SMARCA4 (SWI/SNF related BAF chromatin remodeling complex subunit ATPase 4; plus strand). Cytogenetic location: 19p13.2.
Variant type: single nucleotide variant.
Coding change: c.1906G>C on transcript NM_003072.5 (MANE Select); coding-DNA position 1906, G replaced by C.
Protein change: p.Ala636Pro; replaces alanine 636 with proline.
Molecular consequence: missense variant. On other transcripts: non-coding transcript variant (1).
Genome position (GRCh38, 1-based): chr19:11,003,122, G>C. VCF-style: chr19-11003122-G-C. GRCh37 (hg19) VCF-style: chr19-11113798-G-C.
Other names: c.1906G>C, p.Ala636Pro (NM_001128844.3, NM_001128845.2, NM_001128847.4 and 4 more transcripts); short protein forms A636P.
Identifiers: ClinVar variation 820283 (VCV000820283.16), dbSNP rs1600133106, ClinGen allele CA404051647.